The following is an entry in ClinVar:

ClinVar aggregate classification (germline): Conflicting classifications of pathogenicity. Review status: criteria provided, conflicting classifications (1 of 4 stars). 2 submissions from 2 submitters: Pathogenic (1); Uncertain significance (1). Last evaluated 2024-04-09.

Allele frequency attached by ClinVar (database versions not stated): gnomAD exomes 0.00001; TOPMed 0.00001; ExAC 0.00002.

Submissions (2):

Labcorp Genetics (formerly Invitae), Labcorp
Classification: Pathogenic. Last evaluated: 2024-04-09. Review status: criteria provided, single submitter. Criteria: Invitae Variant Classification Sherloc (09022015). Collection method: clinical testing. Allele origin: germline.
Comment: This sequence change creates a premature translational stop signal (p.Arg160Aspfs*10) in the SCLT1 gene. It is expected to result in an absent or disrupted protein product. Loss-of-function variants in SCLT1 are known to be pathogenic (PMID: 28005958). This variant is present in population databases (rs757504414, gnomAD 0.002%). This variant has not been reported in the literature in individuals affected with SCLT1-related conditions. ClinVar contains an entry for this variant (Variation ID: 1921374). For these reasons, this variant has been classified as Pathogenic.

Blueprint Genetics
Classification: Uncertain significance. Last evaluated: 2022-01-08. Review status: criteria provided, single submitter. Criteria: ACMG Guidelines, 2015. Collection method: clinical testing. Allele origin: germline.

Literature cited by the submitters: PubMed 28005958 (cited by Labcorp Genetics (formerly Invitae), Labcorp).

NM_144643.4(SCLT1):c.478del (p.Arg160fs)

Gene: SCLT1 (sodium channel and clathrin linker 1; minus strand). Cytogenetic location: 4q28.2.
Variant type: Deletion.
Coding change: c.478del on transcript NM_144643.4 (MANE Select); coding-DNA position 478, one base deleted (A; older notation c.478delA).
Protein change: p.Arg160fs; shifts the reading frame from arginine 160.
Molecular consequence: frameshift variant.
Genome position (GRCh38, 1-based): chr4:128,999,743, T deleted on the plus strand (A on the coding strand, the reverse complement: SCLT1 is on the minus strand). VCF-style (leftmost placement, unchanged base first): chr4-128999742-CT-C. GRCh37 (hg19) VCF-style: chr4-129920897-CT-C.
Other names: c.478delA, p.Arg160Aspfs (NM_001410807.1); short protein forms R160fs.
Identifiers: ClinVar variation 1921374 (VCV001921374.6), dbSNP rs757504414, ClinGen allele CA3079931.